The following is an entry in ClinVar:

NM_004260.4(RECQL4):c.806G>C (p.Trp269Ser)

Gene: RECQL4 (RecQ like helicase 4; minus strand). Cytogenetic location: 8q24.3.
Variant type: single nucleotide variant.
Coding change: c.806G>C on transcript NM_004260.4 (MANE Select); coding-DNA position 806, G replaced by C.
Protein change: p.Trp269Ser; replaces tryptophan 269 with serine.
Molecular consequence: missense variant.
Genome position (GRCh38, 1-based): chr8:144,516,313, C>G on the plus strand (G>C on the coding strand, the complement: RECQL4 is on the minus strand). VCF-style: chr8-144516313-C-G. GRCh37 (hg19) VCF-style: chr8-145741697-C-G.
Other names: short protein forms W269S.
Identifiers: ClinVar variation 572054 (VCV000572054.10), dbSNP rs137853231, ClinGen allele CA187688826.
Genomic context (GRCh38, chr8:144,516,313, plus strand): 5'-GCCCCCTCCGATGGGGGTCCAGCTTGGCTGCTCTCCTGCTGGACCTGTGCGGGGCTCTCC[C>G]AGGGCTCCTCGTTCCATCTCCGCTTCTCGCCTCCACTGCTGCTGGGCTGGGGGCTCCCCA-3'
Protein context (NP_004251.4, residues 259-279): GEKRRWNEEP[Trp269Ser]ESPAQVQQES

ClinVar aggregate classification (germline): Uncertain significance. Review status: criteria provided, multiple submitters, no conflicts (2 of 4 stars). 2 submissions from 2 submitters: Uncertain significance (2). Last evaluated 2026-01-12.

Conditions:
Hereditary cancer-predisposing syndrome. Also called: Hereditary neoplastic syndrome; Neoplastic Syndromes, Hereditary; Hereditary Cancer Syndrome; Tumor predisposition. Identifiers: Orphanet 140162, MedGen C0027672, MeSH D009386, MONDO:0015356.
Baller-Gerold syndrome (BGS). Also called: CRANIOSYNOSTOSIS WITH RADIAL DEFECTS. Identifiers: Orphanet 1225, MedGen C0265308, MONDO:0009039, OMIM 218600.

Allele frequency attached by ClinVar (database versions not stated): gnomAD 0.00001; TOPMed 0.00001.

Submissions (2):

Labcorp Genetics (formerly Invitae), Labcorp
Classification: Uncertain significance for Baller-Gerold syndrome. Last evaluated: 2026-01-12. Review status: criteria provided, single submitter. Criteria: Invitae Variant Classification Sherloc (09022015). Collection method: clinical testing. Allele origin: germline.
Comment: This sequence change replaces tryptophan, which is neutral and slightly polar, with serine, which is neutral and polar, at codon 269 of the RECQL4 protein (p.Trp269Ser). This variant is present in population databases (rs137853231, gnomAD 0.003%). This variant has not been reported in the literature in individuals affected with RECQL4-related conditions. ClinVar contains an entry for this variant (Variation ID: 572054). Invitae Evidence Modeling of protein sequence and biophysical properties (such as structural, functional, and spatial information, amino acid conservation, physicochemical variation, residue mobility, and thermodynamic stability) indicates that this missense variant is not expected to disrupt RECQL4 protein function with a negative predictive value of 80%. In summary, the available evidence is currently insufficient to determine the role of this variant in disease. Therefore, it has been classified as a Variant of Uncertain Significance.

Sema4
Classification: Uncertain significance for Hereditary cancer-predisposing syndrome. Last evaluated: 2022-02-02. Review status: criteria provided, single submitter. Criteria: Sema4 Curation Guidelines. Collection method: curation. Allele origin: germline.
Comment: The RECQL4 c.806G>C (p.W269S) variant has not been reported in the literature to our knowledge. This variant was observed in 1/34076 chromosomes in the Latino population according to the Genome Aggregation Database (PMID: 32461654). This variant has been reported in ClinVar (Variation ID: 572054). In silico tools suggest the impact of the variant on protein function is benign though these predictions have not been confirmed by functional studies. The evidence is insufficient to meet ACMG/AMP criteria for classifying the variant as benign or pathogenic. Thus, the clinical significance of this variant is currently uncertain.